The following is an entry in ClinVar:

ClinVar aggregate classification (germline): Conflicting classifications of pathogenicity. Review status: criteria provided, conflicting classifications (1 of 4 stars). 3 submissions from 3 submitters: Uncertain significance (1); Likely benign (2). Last evaluated 2024-11-22.

Submissions (3):

Blueprint Genetics
Classification: Likely benign. Last evaluated: 2024-11-22. Review status: criteria provided, single submitter. Criteria: ACMG Guidelines, 2015. Collection method: clinical testing. Allele origin: germline.

CeGaT Center for Human Genetics Tuebingen
Classification: Likely benign. Last evaluated: 2023-12-01. Review status: criteria provided, single submitter. Criteria: CeGaT Center For Human Genetics Tuebingen Variant Classification Criteria Version 2. Collection method: clinical testing. Allele origin: germline. Affected: yes. Observed: 3 variant alleles.
Comment: IRF2BPL: BS1

GeneDx
Classification: Uncertain significance. Last evaluated: 2023-08-07. Review status: criteria provided, single submitter. Criteria: GeneDx Variant Classification Process June 2021. Collection method: clinical testing. Allele origin: germline.
Comment: In-frame insertion of 1 amino acid in a repetitive region with no known function; Has not been previously published as pathogenic or benign to our knowledge

NM_024496.4(IRF2BPL):c.345GCA[11] (p.Gln127_Leu128insGln)

Gene: IRF2BPL (interferon regulatory factor 2 binding protein like; minus strand). Cytogenetic location: 14q24.3.
Variant type: Microsatellite.
Coding change: c.345GCA[11] on transcript NM_024496.4 (MANE Select); 11 copies in a row of the 3-base unit GCA starting at c.345; the reference has ten copies in a row; one copy, 3 bases duplicated.
Protein change: p.Gln127_Leu128insGln.
Molecular consequence: inframe insertion.
Genome position (GRCh38, 1-based): chr14:77,027,419-77,027,421, TGC duplicated on the plus strand (GCA on the coding strand, the reverse complement: IRF2BPL is on the minus strand); duplicating any 3 consecutive bases within chr14:77,027,419-77,027,450 gives the same sequence; the position shown is the placement nearest the transcript's 3' end. VCF-style (leftmost placement, unchanged base first): chr14-77027418-T-TTGC. GRCh37 (hg19) VCF-style: chr14-77493761-T-TTGC.
Identifiers: ClinVar variation 1703410 (VCV001703410.28), dbSNP rs200317113, ClinGen allele CA7283976.